The following is an entry in ClinVar:

ClinVar aggregate classification (germline): Uncertain significance (1 of 4 stars; one submission).

Allele frequency attached by ClinVar (database versions not stated): gnomAD exomes below 0.00001; TOPMed below 0.00001.

Submission:

Labcorp Genetics (formerly Invitae), Labcorp
Classification: Uncertain significance. Last evaluated: 2023-02-18. Review status: criteria provided, single submitter. Criteria: Invitae Variant Classification Sherloc (09022015). Collection method: clinical testing. Allele origin: germline.
Comment: This sequence change replaces glutamic acid, which is acidic and polar, with aspartic acid, which is acidic and polar, at codon 925 of the NEXMIF protein (p.Glu925Asp). This variant is not present in population databases (gnomAD no frequency). This variant has not been reported in the literature in individuals affected with NEXMIF-related conditions. An algorithm developed to predict the effect of missense changes on protein structure and function (PolyPhen-2) suggests that this variant is likely to be tolerated. In summary, the available evidence is currently insufficient to determine the role of this variant in disease. Therefore, it has been classified as a Variant of Uncertain Significance.

NM_001008537.3(NEXMIF):c.2775A>C (p.Glu925Asp)

Gene: NEXMIF (neurite extension and migration factor; minus strand). Cytogenetic location: Xq13.3.
Variant type: single nucleotide variant.
Coding change: c.2775A>C on transcript NM_001008537.3 (MANE Select); coding-DNA position 2775, A replaced by C.
Protein change: p.Glu925Asp; replaces glutamic acid 925 with aspartic acid.
Molecular consequence: missense variant.
Genome position (GRCh38, 1-based): chrX:74,741,782, T>G on the plus strand (A>C on the coding strand, the complement: NEXMIF is on the minus strand). VCF-style: chrX-74741782-T-G. GRCh37 (hg19) VCF-style: chrX-73961617-T-G.
Other names: short protein forms E925D.
Identifiers: ClinVar variation 2870479 (VCV002870479.3), dbSNP rs2080105298, ClinGen allele CA413667461.